The following is an entry in ClinVar:

NM_053013.4(ENO3):c.662A>G (p.Asn221Ser)

Gene: ENO3 (enolase 3; plus strand). Cytogenetic location: 17p13.2.
Variant type: single nucleotide variant.
Coding change: c.662A>G on transcript NM_053013.4 (MANE Select); coding-DNA position 662, A replaced by G.
Protein change: p.Asn221Ser; replaces asparagine 221 with serine.
Molecular consequence: missense variant.
Genome position (GRCh38, 1-based): chr17:4,955,292, A>G. VCF-style: chr17-4955292-A-G. GRCh37 (hg19) VCF-style: chr17-4858587-A-G.
Other names: c.533A>G, p.Asn178Ser (NM_001193503.2); c.662A>G, p.Asn221Ser (NM_001374523.1, NM_001976.5); c.689A>G, p.Asn230Ser (NM_001374524.1); short protein forms N230S, N221S, N178S.
Identifiers: ClinVar variation 2165186 (VCV002165186.4), dbSNP rs903062624, ClinGen allele CA287175984.

ClinVar aggregate classification (germline): Uncertain significance (1 of 4 stars; one submission).

Conditions:
Glycogen storage disease due to muscle beta-enolase deficiency (GSD13). Also called: ENOLASE 3 DEFICIENCY; ENOLASE-BETA DEFICIENCY; GSD XIII; Glycogen Storage Disease Type XIII. Identifiers: Orphanet 99849, MedGen C2752027, MONDO:0013046, OMIM 612932.

Allele frequency attached by ClinVar (database versions not stated): gnomAD exomes 0.00001; gnomAD 0.00002; TOPMed 0.00002.

Submission:

Labcorp Genetics (formerly Invitae), Labcorp
Classification: Uncertain significance for Glycogen storage disease due to muscle beta-enolase deficiency. Last evaluated: 2022-05-12. Review status: criteria provided, single submitter. Criteria: Invitae Variant Classification Sherloc (09022015). Collection method: clinical testing. Allele origin: germline.
Comment: In summary, the available evidence is currently insufficient to determine the role of this variant in disease. Therefore, it has been classified as a Variant of Uncertain Significance. Algorithms developed to predict the effect of sequence changes on RNA splicing suggest that this variant may create or strengthen a splice site. Algorithms developed to predict the effect of missense changes on protein structure and function (SIFT, PolyPhen-2, Align-GVGD) all suggest that this variant is likely to be tolerated. This variant has not been reported in the literature in individuals affected with ENO3-related conditions. This variant is not present in population databases (gnomAD no frequency). This sequence change replaces asparagine, which is neutral and polar, with serine, which is neutral and polar, at codon 221 of the ENO3 protein (p.Asn221Ser).